The following is an entry in ClinVar:

NM_001042492.3(NF1):c.5590A>T (p.Ser1864Cys)

Gene: NF1 (neurofibromin 1; plus strand). Cytogenetic location: 17q11.2.
Variant type: single nucleotide variant.
Coding change: c.5590A>T on transcript NM_001042492.3 (MANE Select); coding-DNA position 5590, A replaced by T.
Protein change: p.Ser1864Cys; replaces serine 1864 with cysteine.
Molecular consequence: missense variant.
Genome position (GRCh38, 1-based): chr17:31,327,820, A>T. VCF-style: chr17-31327820-A-T. GRCh37 (hg19) VCF-style: chr17-29654838-A-T.
Other names: c.5527A>T, p.Ser1843Cys (NM_000267.4); short protein forms S1843C, S1864C.
Identifiers: ClinVar variation 1478919 (VCV001478919.7), dbSNP rs2151541898, ClinGen allele CA399010035.

ClinVar aggregate classification (germline): Uncertain significance. Review status: criteria provided, multiple submitters, no conflicts (2 of 4 stars). 2 submissions from 2 submitters: Uncertain significance (2). Last evaluated 2023-08-10.

Conditions:
Neurofibromatosis, familial spinal (FSNF). Identifiers: Orphanet 636, MedGen C1834235, MONDO:0008078, OMIM 162210. Disease mechanism: loss of function.
Juvenile myelomonocytic leukemia (JMML). Also called: LEUKEMIA, JUVENILE MYELOMONOCYTIC, SOMATIC. Identifiers: Orphanet 86834, MedGen C0349639, MONDO:0011908, OMIM 607785, HP:0012209.
Neurofibromatosis-Noonan syndrome (NFNS). Also called: NEUROFIBROMATOSIS WITH NOONAN PHENOTYPE. Identifiers: Orphanet 638, MedGen C2931482, MONDO:0011035, OMIM 601321. Disease mechanism: loss of function.
Café-au-lait macules with pulmonary stenosis (WTSN). Also called: PULMONIC STENOSIS WITH CAFE-AU-LAIT SPOTS. Identifiers: MedGen C0553586, MONDO:0008672, OMIM 193520.
Neurofibromatosis, type 1 (NF1). Also called: Neurofibromatosis, type I; VON RECKLINGHAUSEN DISEASE; NEUROFIBROMATOSIS, TYPE I, SOMATIC; Peripheral type neurofibromatosis. Identifiers: Orphanet 636, MedGen C0027831, MONDO:0018975, OMIM 162200. Disease mechanism: loss of function.

Submissions (2):

Labcorp Genetics (formerly Invitae), Labcorp
Classification: Uncertain significance for Neurofibromatosis, type 1. Last evaluated: 2023-08-10. Review status: criteria provided, single submitter. Criteria: Invitae Variant Classification Sherloc (09022015). Collection method: clinical testing. Allele origin: germline.
Comment: This sequence change replaces serine, which is neutral and polar, with cysteine, which is neutral and slightly polar, at codon 1843 of the NF1 protein (p.Ser1843Cys). This variant is not present in population databases (gnomAD no frequency). This variant has not been reported in the literature in individuals affected with NF1-related conditions. ClinVar contains an entry for this variant (Variation ID: 1478919). Advanced modeling of protein sequence and biophysical properties (such as structural, functional, and spatial information, amino acid conservation, physicochemical variation, residue mobility, and thermodynamic stability) performed at Invitae indicates that this missense variant is expected to disrupt NF1 protein function. In summary, the available evidence is currently insufficient to determine the role of this variant in disease. Therefore, it has been classified as a Variant of Uncertain Significance.

Fulgent Genetics
Classification: Uncertain significance for Neurofibromatosis, type 1; Neurofibromatosis, familial spinal; Café-au-lait macules with pulmonary stenosis; Neurofibromatosis-Noonan syndrome; Juvenile myelomonocytic leukemia. Last evaluated: 2021-10-27. Review status: criteria provided, single submitter. Criteria: ACMG Guidelines, 2015. Collection method: clinical testing. Allele origin: unknown.